The following is an entry in ClinVar:

ClinVar aggregate classification (germline): Conflicting classifications of pathogenicity. Review status: criteria provided, conflicting classifications (1 of 4 stars). 5 submissions from 5 submitters: Uncertain significance (3); Likely benign (2). Last evaluated 2025-11-10.

Conditions:
Fanconi anemia (FA). Also called: Fanconi's anemia. Identifiers: Orphanet 84, MedGen C0015625, MeSH D005199, MONDO:0019391.
Fanconi anemia complementation group F. Also called: FANCF-Related Fanconi Anemia. Identifiers: Orphanet 84, MedGen C3469526, MONDO:0011325, OMIM 603467.

Allele frequency attached by ClinVar (database versions not stated): TOPMed 0.00003; 1000 Genomes Project 0.00060; 1000 Genomes Project 30x 0.00062.

Submissions (5):

Labcorp Genetics (formerly Invitae), Labcorp
Classification: Likely benign for Fanconi anemia. Last evaluated: 2025-11-10. Review status: criteria provided, single submitter. Criteria: Invitae Variant Classification Sherloc (09022015). Collection method: clinical testing. Allele origin: germline.

GeneDx
Classification: Uncertain significance. Last evaluated: 2025-04-18. Review status: criteria provided, single submitter. Criteria: GeneDx Variant Classification Process June 2021. Collection method: clinical testing. Allele origin: germline. Affected: yes.
Comment: Identified as heterozygous in a mother and sister with thyroid cancer; no second variant in FANCF was identified, and they also both carried a heterozygous FANCD2 variant (PMID: 39251783); In silico analysis indicates that this missense variant does not alter protein structure/function; This variant is associated with the following publications: (PMID: 39251783)

Fulgent Genetics
Classification: Likely benign for Fanconi anemia complementation group F. Last evaluated: 2024-05-21. Review status: criteria provided, single submitter. Criteria: ACMG Guidelines, 2015. Collection method: clinical testing. Allele origin: germline.

Sema4
Classification: Uncertain significance for Fanconi anemia. Last evaluated: 2021-07-13. Review status: criteria provided, single submitter. Criteria: Sema4 Curation Guidelines. Collection method: curation. Allele origin: germline.
Comment: The FANCF c.412C>A (p.R138S) variant has not been reported in the literature to our knowledge. This variant was observed in 63/30612 chromosomes in the South Asian population, according to the Genome Aggregation Database (PMID: 32461654). This variant has been reported in ClinVar (Variation ID 701972). Functional studies have not been performed and in silico tool predictions of the variant's effect on protein function are inconclusive. The overall evidence is insufficient to meet ACMG/AMP criteria for classifying it as benign or pathogenic. In summary, the clinical significance of this variant is currently uncertain.

Genetic Services Laboratory, University of Chicago
Classification: Uncertain significance. Last evaluated: 2021-05-19. Review status: criteria provided, single submitter. Criteria: ACMG Guidelines, 2015. Collection method: clinical testing. Allele origin: germline. Affected: no.
Comment: DNA sequence analysis of the FANCF gene demonstrated a sequence change, c.412C>A, in exon 1 that results in an amino acid change, p.Arg138Ser. This sequence change has been described in the gnomAD database with a frequency of 0.21% in the South Asian subpopulation (dbSNP rs565372884). The p.Arg138Ser change affects a moderately conserved amino acid residue located in a domain of the FANCF protein that is not known to be functional. In-silico pathogenicity prediction tools (SIFT, PolyPhen2, Align GVGD, REVEL) provide contradictory results for the p.Arg138Ser substitution. This sequence change does not appear to have been previously described in patients with FANCF-related disorders. Due to the lack of sufficient evidences, the clinical significance of the p.Arg138Ser change remains unknown at this time.

NM_022725.4(FANCF):c.412C>A (p.Arg138Ser)

Gene: FANCF (FA complementation group F; minus strand). Cytogenetic location: 11p14.3.
Variant type: single nucleotide variant.
Coding change: c.412C>A on transcript NM_022725.4 (MANE Select); coding-DNA position 412, C replaced by A.
Protein change: p.Arg138Ser; replaces arginine 138 with serine.
Molecular consequence: missense variant.
Genome position (GRCh38, 1-based): chr11:22,625,399, G>T on the plus strand (C>A on the coding strand, the complement: FANCF is on the minus strand). VCF-style: chr11-22625399-G-T. GRCh37 (hg19) VCF-style: chr11-22646945-G-T.
Other names: short protein forms R138S.
Identifiers: ClinVar variation 701972 (VCV000701972.15), dbSNP rs565372884, ClinGen allele CA5924339.
Genomic context (GRCh38, chr11:22,625,399, plus strand): 5'-GGAGATTTGGGTTCTCTCTATAGCCATTGAAGCGCAGCATGTGCACCGCAGACCGCCGGC[G>T]GGCAAGGCGGGCCAGGCTCTCTTGGAGTGTCTCCTCATCGGCGTCCCGGACGCCCGGGCC-3'
Protein context (NP_073562.1, residues 128-148): TLQESLARLA[Arg138Ser]RRSAVHMLRF